The following is an entry in ClinVar:

ClinVar aggregate classification (germline): Uncertain significance. Review status: criteria provided, multiple submitters, no conflicts (2 of 4 stars). 3 submissions from 3 submitters: Uncertain significance (3). Last evaluated 2025-08-19.

Conditions:
Cardiovascular phenotype. Identifiers: MedGen CN230736.
Brugada syndrome. Also called: Sudden unexplained nocturnal death syndrome; Sudden unexpected nocturnal death syndrome; Sudden Unexplained Death Syndrome; Sudden Unexplained Nocturnal Death Syndrome (SUNDS). Identifiers: Orphanet 130, MedGen C1142166, MONDO:0015263.

Allele frequency attached by ClinVar (database versions not stated): gnomAD exomes below 0.00001; TOPMed 0.00002; gnomAD 0.00003.
gnomAD v4.1: 92 of 1,613,492 alleles (0.0057%); highest among the groups gnomAD compares: Non-Finnish European, 0.0077%; no homozygotes.

Submissions (3):

Ambry Genetics
Classification: Uncertain significance for Cardiovascular phenotype. Last evaluated: 2025-08-19. Review status: criteria provided, single submitter. Criteria: Ambry Variant Classification Scheme 2023. Collection method: clinical testing. Allele origin: germline.

Labcorp Genetics (formerly Invitae), Labcorp
Classification: Uncertain significance for Brugada syndrome. Last evaluated: 2021-08-27. Review status: criteria provided, single submitter. Criteria: Invitae Variant Classification Sherloc (09022015). Collection method: clinical testing. Allele origin: germline.
Comment: This sequence change replaces leucine with valine at codon 183 of the GPD1L protein (p.Leu183Val). The leucine residue is moderately conserved and there is a small physicochemical difference between leucine and valine. This variant is not present in population databases (ExAC no frequency). This variant has not been reported in the literature in individuals affected with GPD1L-related conditions. Algorithms developed to predict the effect of missense changes on protein structure and function (SIFT, PolyPhen-2, Align-GVGD) all suggest that this variant is likely to be tolerated. In summary, the available evidence is currently insufficient to determine the role of this variant in disease. Therefore, it has been classified as a Variant of Uncertain Significance.

GeneDx
Classification: Uncertain significance. Last evaluated: 2019-08-27. Review status: criteria provided, single submitter. Criteria: GeneDx Variant Classification Process June 2021. Collection method: clinical testing. Allele origin: germline. Affected: yes.
Comment: Has not been previously published as pathogenic or benign to our knowledge; Not observed at a significant frequency in large population cohorts (Lek et al., 2016); Reported in ClinVar as a variant of uncertain significance (ClinVar Variant ID# 569836; Landrum et al., 2016); In silico analysis, which includes protein predictors and evolutionary conservation, supports that this variant does not alter protein structure/function

NM_015141.4(GPD1L):c.547C>G (p.Leu183Val)

Gene: GPD1L (glycerol-3-phosphate dehydrogenase 1 like; plus strand). Cytogenetic location: 3p22.3.
Variant type: single nucleotide variant.
Coding change: c.547C>G on transcript NM_015141.4 (MANE Select); coding-DNA position 547, C replaced by G.
Protein change: p.Leu183Val; replaces leucine 183 with valine.
Molecular consequence: missense variant.
Genome position (GRCh38, 1-based): chr3:32,146,663, C>G. VCF-style: chr3-32146663-C-G. GRCh37 (hg19) VCF-style: chr3-32188155-C-G.
Other names: short protein forms L183V.
Identifiers: ClinVar variation 569836 (VCV000569836.7), dbSNP rs1376727184, ClinGen allele CA351967425.